The following is an entry in ClinVar:

NM_024426.6(WT1):c.372G>T (p.Leu124Phe)

Genes: WT1 (WT1 transcription factor; minus strand), LOC107982234 (WT1/WT1-AS bi-directional promoter region; plus strand). Cytogenetic location: 11p13.
Variant type: single nucleotide variant.
Coding change: c.372G>T on transcript NM_024426.6 (MANE Select); coding-DNA position 372, G replaced by T.
Protein change: p.Leu124Phe; replaces leucine 124 with phenylalanine.
Molecular consequence: missense variant. On other transcripts: non-coding transcript variant (2).
Genome position (GRCh38, 1-based): chr11:32,434,989, C>A on the plus strand (G>T on the coding strand, the complement: WT1 is on the minus strand). VCF-style: chr11-32434989-C-A. GRCh37 (hg19) VCF-style: chr11-32456535-C-A.
Other names: c.372G>T, p.Leu124Phe (NM_000378.6, NM_001407044.1, NM_001407045.1 and 6 more transcripts); c.357G>T, p.Leu119Phe (NM_024425.2); c.357G>T (NM_024426.4); short protein forms L119F, L124F.
Identifiers: ClinVar variation 2927916 (VCV002927916.4), dbSNP rs2494481885, ClinGen allele CA379965828.

ClinVar aggregate classification (germline): Uncertain significance. Review status: criteria provided, multiple submitters, no conflicts (2 of 4 stars). 2 submissions from 2 submitters: Uncertain significance (2). Last evaluated 2025-08-29.

Conditions:
Frasier syndrome. Identifiers: Orphanet 347, MedGen C0950122, MeSH D052159, MONDO:0007635, OMIM 136680.
Drash syndrome (DDS). Also called: NEPHROPATHY, WILMS TUMOR, AND GENITAL ANOMALIES; WILMS TUMOR AND PSEUDO- OR TRUE HERMAPHRODITISM. Identifiers: Orphanet 220, MedGen C0950121, MONDO:0008682, OMIM 194080.
Wilms tumor 1 (WT1). Also called: Wilms tumor, somatic. Identifiers: Orphanet 654, MedGen CN033288, MONDO:0008679, OMIM 194070.
11p partial monosomy syndrome (WAGR). Also called: WAGR syndrome; WAGR Complex; CHROMOSOME 11p13 DELETION SYNDROME; WAGR Spectrum Disorder. Identifiers: Orphanet 893, MedGen C0206115, MONDO:0008681, OMIM 194072.
Inborn genetic diseases. Identifiers: MedGen C0950123, MeSH D030342.

Submissions (2):

Ambry Genetics
Classification: Uncertain significance for Inborn genetic diseases. Last evaluated: 2025-08-29. Review status: criteria provided, single submitter. Criteria: Ambry Variant Classification Scheme 2023. Collection method: clinical testing. Allele origin: germline.
Comment: The p.L119F variant (also known as c.357G>T), located in coding exon 1 of the WT1 gene, results from a G to T substitution at nucleotide position 357. The leucine at codon 119 is replaced by phenylalanine, an amino acid with highly similar properties. This amino acid position is conserved. In addition, this alteration is predicted to be tolerated by in silico analysis. Based on the available evidence, the clinical significance of this variant remains unclear.

Labcorp Genetics (formerly Invitae), Labcorp
Classification: Uncertain significance for Wilms tumor 1; Drash syndrome; 11p partial monosomy syndrome; Frasier syndrome. Last evaluated: 2023-05-06. Review status: criteria provided, single submitter. Criteria: Invitae Variant Classification Sherloc (09022015). Collection method: clinical testing. Allele origin: germline.
Comment: This sequence change replaces leucine, which is neutral and non-polar, with phenylalanine, which is neutral and non-polar, at codon 119 of the WT1 protein (p.Leu119Phe). This variant is not present in population databases (gnomAD no frequency). This variant has not been reported in the literature in individuals affected with WT1-related conditions. An algorithm developed to predict the effect of missense changes on protein structure and function (PolyPhen-2) suggests that this variant is likely to be disruptive. In summary, the available evidence is currently insufficient to determine the role of this variant in disease. Therefore, it has been classified as a Variant of Uncertain Significance.